The following is an entry in ClinVar:

ClinVar aggregate classification (germline): Pathogenic (1 of 4 stars; one submission).

Submission:

GeneDx
Classification: Pathogenic. Last evaluated: 2025-01-31. Review status: criteria provided, single submitter. Criteria: GeneDx Variant Classification Process June 2021. Collection method: clinical testing. Allele origin: germline. Affected: yes.
Comment: Nonsense variant predicted to result in protein truncation or nonsense mediated decay in a gene for which loss of function is a known mechanism of disease; Not observed at significant frequency in large population cohorts (gnomAD); Has not been previously published as pathogenic or benign to our knowledge

NM_000347.5:c.2026C>T

Gene: SPTB (spectrin beta, erythrocytic; minus strand).
Variant type: single nucleotide variant.
Identifiers: ClinVar variation 4072488 (VCV004072488.1).